The following is an entry in ClinVar:

ClinVar aggregate classification (germline): Uncertain significance. Review status: criteria provided, multiple submitters, no conflicts (2 of 4 stars). 4 submissions from 4 submitters: Uncertain significance (4). Last evaluated 2025-02-13.

Conditions:
Hypertrophic cardiomyopathy 14. Identifiers: MedGen C2750467, MONDO:0013197, OMIM 613251.
Cardiovascular phenotype. Identifiers: MedGen CN230736.

Allele frequency attached by ClinVar (database versions not stated): gnomAD exomes below 0.00001.
gnomAD v4.1: 1 of 1,614,154 alleles (0.000062%); highest among the groups gnomAD compares: South Asian, 0.0011%; no homozygotes.

Submissions (4):

Ambry Genetics
Classification: Uncertain significance for Cardiovascular phenotype. Last evaluated: 2025-02-13. Review status: criteria provided, single submitter. Criteria: Ambry Variant Classification Scheme 2023. Collection method: clinical testing. Allele origin: germline.
Comment: The p.V1743A variant (also known as c.5228T>C), located in coding exon 33 of the MYH6 gene, results from a T to C substitution at nucleotide position 5228. The valine at codon 1743 is replaced by alanine, an amino acid with similar properties. This amino acid position is conserved. In addition, the in silico prediction for this alteration is inconclusive. Based on the available evidence, the clinical significance of this variant remains unclear.

Labcorp Genetics (formerly Invitae), Labcorp
Classification: Uncertain significance for Hypertrophic cardiomyopathy 14. Last evaluated: 2024-02-02. Review status: criteria provided, single submitter. Criteria: Invitae Variant Classification Sherloc (09022015). Collection method: clinical testing. Allele origin: germline.
Comment: This sequence change replaces valine, which is neutral and non-polar, with alanine, which is neutral and non-polar, at codon 1743 of the MYH6 protein (p.Val1743Ala). This variant is present in population databases (no rsID available, gnomAD no frequency). This variant has not been reported in the literature in individuals affected with MYH6-related conditions. ClinVar contains an entry for this variant (Variation ID: 1309841). Advanced modeling of protein sequence and biophysical properties (such as structural, functional, and spatial information, amino acid conservation, physicochemical variation, residue mobility, and thermodynamic stability) has been performed at Invitae for this missense variant, however the output from this modeling did not meet the statistical confidence thresholds required to predict the impact of this variant on MYH6 protein function. In summary, the available evidence is currently insufficient to determine the role of this variant in disease. Therefore, it has been classified as a Variant of Uncertain Significance.

Blueprint Genetics
Classification: Uncertain significance. Last evaluated: 2023-03-30. Review status: criteria provided, single submitter. Criteria: ACMG Guidelines, 2015. Collection method: clinical testing. Allele origin: germline.

GeneDx
Classification: Uncertain significance. Last evaluated: 2019-10-28. Review status: criteria provided, single submitter. Criteria: GeneDx Variant Classification Process June 2021. Collection method: clinical testing. Allele origin: germline. Affected: yes.
Comment: Has not been previously published as pathogenic or benign to our knowledge; Not observed at a significant frequency in large population cohorts (Lek et al., 2016); In silico analysis, which includes protein predictors and evolutionary conservation, supports that this variant does not alter protein structure/function

NM_002471.4(MYH6):c.5228T>C (p.Val1743Ala)

Gene: MYH6 (myosin heavy chain 6; minus strand). Cytogenetic location: 14q11.2.
Variant type: single nucleotide variant.
Coding change: c.5228T>C on transcript NM_002471.4 (MANE Select); coding-DNA position 5228, T replaced by C.
Protein change: p.Val1743Ala; replaces valine 1743 with alanine.
Molecular consequence: missense variant.
Genome position (GRCh38, 1-based): chr14:23,384,977, A>G on the plus strand (T>C on the coding strand, the complement: MYH6 is on the minus strand). VCF-style: chr14-23384977-A-G. GRCh37 (hg19) VCF-style: chr14-23854186-A-G.
Other names: short protein forms V1743A.
Identifiers: ClinVar variation 1309841 (VCV001309841.7), dbSNP rs1206864440, ClinGen allele CA388988091.
Genomic context (GRCh38, chr14:23,384,977, plus strand): 5'-TCCGTGATGGCCTTCTTGGCCTTCTCCTCGGCGTTTCTGCACTCCTGCACTGCCTCCTCC[A>G]CTTCCGACTGGAGCTGGGTCAGATCCGACTCCATCTTCTTCTTCTGGTTGATGAGGCTGG-3'
Protein context (NP_002462.2, residues 1733-1753): ESDLTQLQSE[Val1743Ala]EEAVQECRNA